The following is an entry in ClinVar:

NM_001761.3(CCNF):c.1562G>A (p.Arg521His)

Gene: CCNF (cyclin F; plus strand). Cytogenetic location: 16p13.3.
Variant type: single nucleotide variant.
Coding change: c.1562G>A on transcript NM_001761.3 (MANE Select); coding-DNA position 1562, G replaced by A.
Protein change: p.Arg521His; replaces arginine 521 with histidine.
Molecular consequence: missense variant.
Genome position (GRCh38, 1-based): chr16:2,453,284, G>A. VCF-style: chr16-2453284-G-A. GRCh37 (hg19) VCF-style: chr16-2503285-G-A.
Other names: c.638G>A, p.Arg213His (NM_001323538.2); short protein forms R213H, R521H.
Identifiers: ClinVar variation 4822093 (VCV004822093.4).

ClinVar aggregate classification (germline): Uncertain significance (1 of 4 stars; one submission).

gnomAD v4.1: 21 of 1,613,798 alleles (0.0013%); highest among the groups gnomAD compares: East Asian, 0.011%; no homozygotes.

Submission:

CeGaT Center for Human Genetics Tuebingen
Classification: Uncertain significance. Last evaluated: 2026-01-01. Review status: criteria provided, single submitter. Criteria: CeGaT Center For Human Genetics Tuebingen Variant Classification Criteria Version 2. Collection method: clinical testing. Allele origin: germline. Affected: yes. Observed: 1 variant allele.
Comment: CCNF: PM2, BP4